The following is an entry in ClinVar:

NM_000455.5(STK11):c.813C>A (p.Ser271Arg)

Gene: STK11 (serine/threonine kinase 11; plus strand). Cytogenetic location: 19p13.3.
Variant type: single nucleotide variant.
Coding change: c.813C>A on transcript NM_000455.5 (MANE Select); coding-DNA position 813, C replaced by A.
Protein change: p.Ser271Arg; replaces serine 271 with arginine.
Molecular consequence: missense variant. On other transcripts: non-coding transcript variant (1).
Genome position (GRCh38, 1-based): chr19:1,221,291, C>A. VCF-style: chr19-1221291-C-A. GRCh37 (hg19) VCF-style: chr19-1221290-C-A.
Other names: c.813C>A, p.Ser271Arg (NM_001407255.1); short protein forms S271R.
Identifiers: ClinVar variation 3450572 (VCV003450572.1).
Genomic context (GRCh38, chr19:1,221,291, plus strand): 5'-TCTGTACCCCTTCGAAGGGGACAACATCTACAAGTTGTTTGAGAACATCGGGAAGGGGAG[C>A]TACGCCATCCCGGGCGACTGTGGCCCCCCGCTCTCTGACCTGCTGAAAGGTGGGAGCCTC-3'
Protein context (NP_000446.1, residues 261-281): YKLFENIGKG[Ser271Arg]YAIPGDCGPP

ClinVar aggregate classification (germline): Uncertain significance (1 of 4 stars; one submission).

Conditions:
Hereditary cancer-predisposing syndrome. Also called: Tumor predisposition; Neoplastic Syndromes, Hereditary; Hereditary neoplastic syndrome; Hereditary Cancer Syndrome. Identifiers: Orphanet 140162, MedGen C0027672, MeSH D009386, MONDO:0015356.

Submission:

Ambry Genetics
Classification: Uncertain significance for Hereditary cancer-predisposing syndrome. Last evaluated: 2024-08-12. Review status: criteria provided, single submitter. Criteria: Ambry Variant Classification Scheme 2023. Collection method: clinical testing. Allele origin: germline.
Comment: The p.S271R variant (also known as c.813C>A), located in coding exon 6 of the STK11 gene, results from a C to A substitution at nucleotide position 813. The serine at codon 271 is replaced by arginine, an amino acid with dissimilar properties. This amino acid position is conserved. In addition, this alteration is predicted to be tolerated by in silico analysis. Based on the available evidence, the clinical significance of this variant remains unclear.